The following is an entry in ClinVar:

NM_153026.3(PRICKLE1):c.406G>A (p.Gly136Ser)

Gene: PRICKLE1 (prickle planar cell polarity protein 1; minus strand). Cytogenetic location: 12q12.
Variant type: single nucleotide variant.
Coding change: c.406G>A on transcript NM_153026.3 (MANE Select); coding-DNA position 406, G replaced by A.
Protein change: p.Gly136Ser; replaces glycine 136 with serine.
Molecular consequence: missense variant.
Genome position (GRCh38, 1-based): chr12:42,468,808, C>T on the plus strand (G>A on the coding strand, the complement: PRICKLE1 is on the minus strand). VCF-style: chr12-42468808-C-T. GRCh37 (hg19) VCF-style: chr12-42862610-C-T.
Other names: c.406G>A, p.Gly136Ser (NM_001144881.2, NM_001144882.2, NM_001144883.2); short protein forms G136S.
Identifiers: ClinVar variation 1377164 (VCV001377164.8), dbSNP rs773739764, ClinGen allele CA235493739.

ClinVar aggregate classification (germline): Uncertain significance (1 of 4 stars; one submission).

Conditions:
Epilepsy, progressive myoclonic, 1B. Also called: PME. Identifiers: Orphanet 308, MedGen C2676254, MONDO:0012904, OMIM 612437.

Allele frequency attached by ClinVar (database versions not stated): TOPMed below 0.00001.
gnomAD v4.1: 4 of 1,614,150 alleles (0.00025%); highest among the groups gnomAD compares: Non-Finnish European, 0.00034%; no homozygotes.

Submission:

Labcorp Genetics (formerly Invitae), Labcorp
Classification: Uncertain significance for Epilepsy, progressive myoclonic, 1B. Last evaluated: 2022-07-19. Review status: criteria provided, single submitter. Criteria: Invitae Variant Classification Sherloc (09022015). Collection method: clinical testing. Allele origin: germline.
Comment: This variant has not been reported in the literature in individuals affected with PRICKLE1-related conditions. This variant is not present in population databases (gnomAD no frequency). This sequence change replaces glycine, which is neutral and non-polar, with serine, which is neutral and polar, at codon 136 of the PRICKLE1 protein (p.Gly136Ser). ClinVar contains an entry for this variant (Variation ID: 1377164). In summary, the available evidence is currently insufficient to determine the role of this variant in disease. Therefore, it has been classified as a Variant of Uncertain Significance. Algorithms developed to predict the effect of missense changes on protein structure and function (SIFT, PolyPhen-2, Align-GVGD) all suggest that this variant is likely to be disruptive.